The following is an entry in ClinVar:

NM_013382.7(POMT2):c.334-45T>C

Gene: POMT2 (protein O-mannosyltransferase 2; minus strand). Cytogenetic location: 14q24.3.
Variant type: single nucleotide variant.
Coding change: c.334-45T>C on transcript NM_013382.7 (MANE Select); 45 bases into the intron before coding-DNA position 334, T replaced by C.
Molecular consequence: intron variant.
Genome position (GRCh38, 1-based): chr14:77,306,486, A>G on the plus strand (T>C on the coding strand, the complement: POMT2 is on the minus strand). VCF-style: chr14-77306486-A-G. GRCh37 (hg19) VCF-style: chr14-77772829-A-G.
Identifiers: ClinVar variation 260300 (VCV000260300.3), dbSNP rs66502123, ClinGen allele CA7286226.

ClinVar aggregate classification (germline): Benign. Review status: criteria provided, multiple submitters, no conflicts (2 of 4 stars). 3 submissions from 3 submitters: Benign (3). Last evaluated 2018-06-14.

Allele frequency attached by ClinVar (database versions not stated): 1000 Genomes Project 30x 0.07792; TOPMed 0.07837; 1000 Genomes Project 0.07947; gnomAD 0.08383 and 0.08724; ESP Exome Variant Server 0.08757; gnomAD exomes 0.10448 and 0.11353; ExAC 0.10930.
gnomAD v4.1: 177,886 of 1,602,448 alleles (11%); highest among the groups gnomAD compares: South Asian, 19%; 11,093 homozygotes.

Submissions (3):

GeneDx
Classification: Benign. Last evaluated: 2018-06-14. Review status: criteria provided, single submitter. Criteria: GeneDx Variant Classification (06012015). Collection method: clinical testing. Allele origin: germline. Affected: yes.
Comment: This variant is considered likely benign or benign based on one or more of the following criteria: it is a conservative change, it occurs at a poorly conserved position in the protein, it is predicted to be benign by multiple in silico algorithms, and/or has population frequency not consistent with disease.

Breakthrough Genomics
Classification: Benign. Review status: criteria provided, single submitter. Criteria: ACMG Guidelines, 2015. Collection method: not provided. Allele origin: germline. Inheritance: Autosomal recessive inheritance. Affected: yes.

PreventionGenetics, part of Exact Sciences
Classification: Benign. Review status: criteria provided, single submitter. Criteria: ACMG Guidelines, 2015. Collection method: clinical testing. Allele origin: germline.